The following is an entry in ClinVar:

NM_000257.4(MYH7):c.3830G>A (p.Arg1277Gln)

Gene: MYH7 (myosin heavy chain 7; minus strand). Cytogenetic location: 14q11.2.
Variant type: single nucleotide variant.
Coding change: c.3830G>A on transcript NM_000257.4 (MANE Select); coding-DNA position 3830, G replaced by A.
Protein change: p.Arg1277Gln; replaces arginine 1277 with glutamine.
Molecular consequence: missense variant.
Genome position (GRCh38, 1-based): chr14:23,419,506, C>T on the plus strand (G>A on the coding strand, the complement: MYH7 is on the minus strand). VCF-style: chr14-23419506-C-T. GRCh37 (hg19) VCF-style: chr14-23888715-C-T.
Other names: short protein forms R1277Q.
Identifiers: ClinVar variation 42976 (VCV000042976.32), dbSNP rs397516195, ClinGen allele CA014144.

ClinVar aggregate classification (germline): Uncertain significance. Review status: criteria provided, multiple submitters, no conflicts (2 of 4 stars). 13 submissions from 13 submitters: Uncertain significance (13). Last evaluated 2026-05-12.

Conditions:
Myopathy, myosin storage, autosomal recessive (CMYO7B). Also called: CONGENITAL MYOPATHY 7B, MYOSIN STORAGE, AUTOSOMAL RECESSIVE. Identifiers: Orphanet 636970, MedGen C1850709, MONDO:0009708, OMIM 255160.
Myosin storage myopathy (CMYO7A). Also called: Scapuloperoneal myopathy, MYH7-related; SCAPULOPERONEAL MUSCULAR DYSTROPHY; SCAPULOPERONEAL SYNDROME, MYOPATHIC TYPE; MYH7-related late-onset scapuloperoneal muscular dystrophy; Congenital myopathy 7A, myosin storage, autosomal dominant; MYOPATHY, HYALINE BODY, AUTOSOMAL DOMINANT. Identifiers: Orphanet 437572, Orphanet 636965, MedGen C1842160, MONDO:0008409, OMIM 608358.
Congenital myopathy with fiber type disproportion. Also called: Congenital fiber-type disproportion myopathy; Congenital fiber-type disproportion. Identifiers: Orphanet 2020, MedGen C0546264, MONDO:0009711. Inheritance: all.
Hypertrophic cardiomyopathy 1 (CMH1). Also called: Familial hypertrophic cardiomyopathy 1; MYH7-Related Familial Hypertrophic Cardiomyopathy. Identifiers: MedGen C3495498, MONDO:0008647, OMIM 192600.
Dilated cardiomyopathy 1S (CMD1S). Identifiers: Orphanet 154, Orphanet 54260, MedGen C1834481, MONDO:0013262, OMIM 613426.
MYH7-related skeletal myopathy. Also called: Myopathy, distal, 1; MYOPATHY, DISTAL, EARLY-ONSET, AUTOSOMAL DOMINANT; MYOPATHY, LATE DISTAL HEREDITARY; Laing distal myopathy; Laing early-onset distal myopathy. Identifiers: Orphanet 59135, MedGen C4552004, MONDO:0008050, OMIM 160500.
MYH7-related disorder. Also called: MYH7-related condition; MYH7-related disease; MYH7-related disorders.
Cardiovascular phenotype. Identifiers: MedGen CN230736.
Cardiomyopathy (CMYO). Also called: Cardiomyopathies. Identifiers: Orphanet 167848, MedGen C0878544, MONDO:0004994, HP:0001638. Inheritance: Various modes of inheritance.
Long QT syndrome (LQTS). Identifiers: MedGen C0023976, MeSH D008133, MONDO:0002442. Disease mechanism: loss of function. Inheritance: Various modes of inheritance.
Hypertrophic cardiomyopathy. Also called: HYPERTROPHIC MYOCARDIOPATHY. Identifiers: Orphanet 217569, MedGen C0007194, MeSH D002312, MONDO:0005045, HP:0001639.

Allele frequency attached by ClinVar (database versions not stated): gnomAD exomes 0.00004 and 0.00005; TOPMed 0.00005; gnomAD 0.00001; ExAC 0.00004.
gnomAD v4.1: 61 of 1,613,974 alleles (0.0038%); highest among the groups gnomAD compares: Middle Eastern, 0.033%; no homozygotes.

Submissions 1 to 9 of 13:

PreventionGenetics, part of Exact Sciences
Classification: Uncertain significance for MYH7-related condition. Last evaluated: 2026-05-12. Review status: criteria provided, single submitter. Criteria: ACMG Guidelines, 2015. Collection method: clinical testing. Allele origin: germline.
Comment: The MYH7 c.3830G>A variant is predicted to result in the amino acid substitution p.Arg1277Gln. This variant has been reported in individuals with hypertrophic cardiomyopathy (HCM) (Zou et al. 2013. PubMed ID: 23283745; Table S1B, Walsh et al. 2016. PubMed ID: 27532257; Yin et al. 2019. PubMed ID: 31104103; Table S7, Dai et al. 2023. PubMed ID: 37121957); however, two of the individuals appear to have an alternative cause for disease (Zou et al. 2013. PubMed ID: 23283745; Yin et al. 2019. PubMed ID: 31104103). This variant has also been reported in control populations (Table S6, Park et al. 2022. PubMed ID: 34542152) and is reported in 0.0087% of alleles in individuals of Latino descent in gnomAD. This variant is interpreted as uncertain in ClinVar (Variation ID: 42976). At this time, the clinical significance of this variant is uncertain due to the absence of conclusive functional and genetic evidence.

Labcorp Genetics (formerly Invitae), Labcorp
Classification: Uncertain significance for Hypertrophic cardiomyopathy. Last evaluated: 2026-01-12. Review status: criteria provided, single submitter. Criteria: Invitae Variant Classification Sherloc (09022015). Collection method: clinical testing. Allele origin: germline.
Comment: This sequence change replaces arginine, which is basic and polar, with glutamine, which is neutral and polar, at codon 1277 of the MYH7 protein (p.Arg1277Gln). This variant is present in population databases (rs397516195, gnomAD 0.009%). This missense change has been observed in individual(s) with hypertrophic cardiomyopathy (PMID: 23283745, 27532257, 37121957, 37652022). ClinVar contains an entry for this variant (Variation ID: 42976). Invitae Evidence Modeling of protein sequence and biophysical properties (such as structural, functional, and spatial information, amino acid conservation, physicochemical variation, residue mobility, and thermodynamic stability) indicates that this missense variant is expected to disrupt MYH7 protein function with a positive predictive value of 95%. In summary, the available evidence is currently insufficient to determine the role of this variant in disease. Therefore, it has been classified as a Variant of Uncertain Significance.

Revvity Omics, Revvity
Classification: Uncertain significance. Last evaluated: 2025-05-05. Review status: criteria provided, single submitter. Criteria: ACMG Guidelines, 2015. Collection method: clinical testing. Allele origin: germline.

Women's Health and Genetics/Laboratory Corporation of America, LabCorp
Classification: Uncertain significance. Last evaluated: 2024-10-11. Review status: criteria provided, single submitter. Criteria: LabCorp Variant Classification Summary - May 2015. Collection method: clinical testing. Allele origin: germline.
Comment: Variant summary: MYH7 c.3830G>A (p.Arg1277Gln) results in a conservative amino acid change located in the Myosin tail domain (IPR002928) of the encoded protein sequence. Three of five in-silico tools predict a benign effect of the variant on protein function. The variant allele was found at a frequency of 4.8e-05 in 251468 control chromosomes. This frequency is not significantly higher than estimated for a pathogenic variant in MYH7 causing Cardiomyopathy (4.8e-05 vs 0.0013), allowing no conclusion about variant significance. c.3830G>A has been reported in the literature in an individual affected with Hypertrophic Cardiomyopathy (Zou_2013). These report(s) do not provide unequivocal conclusions about association of the variant with Cardiomyopathy. Co-occurrences with other pathogenic variant(s) have been reported (MYBPC3 c.1387C>T, p.Q463X), providing supporting evidence for a benign role. To our knowledge, no experimental evidence demonstrating an impact on protein function has been reported. The following publications have been ascertained in the context of this evaluation (PMID: 23283745). ClinVar contains an entry for this variant (Variation ID: 42976). Based on the evidence outlined above, the variant was classified as uncertain significance.

Blueprint Genetics
Classification: Uncertain significance. Last evaluated: 2024-09-17. Review status: criteria provided, single submitter. Criteria: ACMG Guidelines, 2015. Collection method: clinical testing. Allele origin: germline.

All of Us Research Program, National Institutes of Health
Classification: Uncertain significance for Cardiomyopathy. Last evaluated: 2024-07-20. Review status: criteria provided, single submitter. Criteria: ACMG Guidelines, 2015. Collection method: clinical testing. Allele origin: germline. Inheritance: Autosomal dominant inheritance. Observed: 12 variant alleles, 12 heterozygotes.
Comment: This missense variant replaces arginine with glutamine at codon 1277 of the MYH7 protein. Computational prediction is inconclusive regarding the impact of this variant on protein structure and function (internally defined REVEL score threshold 0.5 < inconclusive < 0.7, PMID: 27666373). To our knowledge, functional studies have not been reported for this variant. This variant has been reported in individuals affected with hypertrophic cardiomyopathy (PMID: 23283745, 27532257, 31104103). Some of these individuals also carried pathogenic variants in the MYBPC3 and MYL2 genes that could explain the observed phenotype (PMID: 23283745, 31104103). This variant has also been reported in a family affected with myosin storage myopathy (DOI:10.21203/rs.2.19928/v1). This variant has been identified in 12/251468 chromosomes in the general population by the Genome Aggregation Database (gnomAD). The available evidence is insufficient to determine the role of this variant in disease conclusively. Therefore, this variant is classified as a Variant of Uncertain Significance.

This study involves interpretation of variants in research participants for the purpose of population health screening. Participant phenotype was not available at the time of variant classification. Additional details can be found in publication PMID: 35346344, PMCID: PMC8962531

Color Diagnostics, LLC DBA Color Health
Classification: Uncertain significance for Cardiomyopathy. Last evaluated: 2024-07-03. Review status: criteria provided, single submitter. Criteria: ACMG Guidelines, 2015. Collection method: clinical testing. Allele origin: germline.
Comment: This missense variant replaces arginine with glutamine at codon 1277 of the MYH7 protein. Computational prediction tools indicate that this variant's impact on protein structure and function is inconclusive. To our knowledge, functional studies have not been reported for this variant. This variant has been reported in individuals affected with hypertrophic cardiomyopathy (PMID: 23283745, 27532257, 31104103, 37121957). Some of these individuals also carried pathogenic variants in the MYBPC3 and MYL2 genes (PMID: 23283745, 31104103). This variant has also been reported in a family affected with myosin storage myopathy (DOI:10.21203/rs.2.19928/v1). This variant has been identified in 12/251468 chromosomes in the general population by the Genome Aggregation Database (gnomAD). The available evidence is insufficient to determine the role of this variant in disease conclusively. Therefore, this variant is classified as a Variant of Uncertain Significance.

Dept of Medical Biology, Uskudar University
Classification: Uncertain significance for Long QT syndrome. Last evaluated: 2024-01-08. Review status: criteria provided, single submitter. Criteria: Dept of Medical Biology Variant Classification. Collection method: research. Allele origin: paternal. Affected: yes. Observed: 1 variant allele.
Comment: Criteria: PM2, PP2

Fulgent Genetics
Classification: Uncertain significance for MYH7-related skeletal myopathy; Myosin storage myopathy; Hypertrophic cardiomyopathy 1; Myopathy, myosin storage, autosomal recessive; Congenital myopathy 4A, autosomal dominant; Dilated cardiomyopathy 1S. Last evaluated: 2021-07-28. Review status: criteria provided, single submitter. Criteria: ACMG Guidelines, 2015. Collection method: clinical testing. Allele origin: unknown.